The following is an entry in ClinVar:

NM_000891.3(KCNJ2):c.14G>A (p.Arg5Gln)

Gene: KCNJ2 (potassium inwardly rectifying channel subfamily J member 2; plus strand). Cytogenetic location: 17q24.3.
Variant type: single nucleotide variant.
Coding change: c.14G>A on transcript NM_000891.3 (MANE Select); coding-DNA position 14, G replaced by A.
Protein change: p.Arg5Gln; replaces arginine 5 with glutamine.
Molecular consequence: missense variant.
Genome position (GRCh38, 1-based): chr17:70,175,053, G>A. VCF-style: chr17-70175053-G-A. GRCh37 (hg19) VCF-style: chr17-68171194-G-A.
Other names: short protein forms R5Q.
Identifiers: ClinVar variation 1052929 (VCV001052929.9), dbSNP rs764311511, ClinGen allele CA8738678.

ClinVar aggregate classification (germline): Uncertain significance (1 of 4 stars; one submission).

Conditions:
Andersen Tawil syndrome (LQT7). Also called: Andersen Syndrome; PERIODIC PARALYSIS, POTASSIUM-SENSITIVE CARDIODYSRHYTHMIC TYPE; LONG QT SYNDROME 7; ANDERSEN CARDIODYSRHYTHMIC PERIODIC PARALYSIS; Potassium-sensitive periodic paralysis, ventricular ectopy, and dysmorphic features. Identifiers: Orphanet 37553, MedGen C1563715, MONDO:0008222, OMIM 170390.
Short QT syndrome type 3. Identifiers: Orphanet 51083, MedGen C1865018, MONDO:0012314, OMIM 609622.

Allele frequency attached by ClinVar (database versions not stated): gnomAD exomes below 0.00001 and 0.00001; ExAC 0.00002.
gnomAD v4.1: 2 of 1,614,072 alleles (0.00012%); highest among the groups gnomAD compares: Non-Finnish European, 0.00017%; no homozygotes.

Submission:

Labcorp Genetics (formerly Invitae), Labcorp
Classification: Uncertain significance for Short QT syndrome type 3; Andersen Tawil syndrome. Last evaluated: 2024-06-24. Review status: criteria provided, single submitter. Criteria: Invitae Variant Classification Sherloc (09022015). Collection method: clinical testing. Allele origin: germline.
Comment: This sequence change replaces arginine, which is basic and polar, with glutamine, which is neutral and polar, at codon 5 of the KCNJ2 protein (p.Arg5Gln). This variant is present in population databases (rs764311511, gnomAD 0.0009%). This variant has not been reported in the literature in individuals affected with KCNJ2-related conditions. ClinVar contains an entry for this variant (Variation ID: 1052929). An algorithm developed to predict the effect of missense changes on protein structure and function (PolyPhen-2) suggests that this variant is likely to be disruptive. In summary, the available evidence is currently insufficient to determine the role of this variant in disease. Therefore, it has been classified as a Variant of Uncertain Significance.